The following is an entry in ClinVar:

ClinVar aggregate classification (germline): Likely benign (1 of 4 stars; one submission).

Allele frequency attached by ClinVar (database versions not stated): 1000 Genomes Project 0.00040; 1000 Genomes Project 30x 0.00062; gnomAD 0.00272; TOPMed 0.00272; ESP Exome Variant Server 0.00408; gnomAD exomes 0.00430; ExAC 0.00451.
gnomAD v4.1: 6,618 of 1,611,782 alleles (0.41%); highest among the groups gnomAD compares: Non-Finnish European, 0.51%; 16 homozygotes.

Submission:

CeGaT Center for Human Genetics Tuebingen
Classification: Likely benign. Last evaluated: 2023-02-01. Review status: criteria provided, single submitter. Criteria: CeGaT Center For Human Genetics Tuebingen Variant Classification Criteria Version 2. Collection method: clinical testing. Allele origin: germline. Affected: yes. Observed: 1 variant allele.
Comment: LIMCH1: BP4, BP7

NM_001330672.2(LIMCH1):c.3033C>T (p.Leu1011=)

Gene: LIMCH1 (LIM and calponin homology domains 1; plus strand). Cytogenetic location: 4p13.
Variant type: single nucleotide variant.
Coding change: c.3033C>T on transcript NM_001330672.2 (MANE Select); coding-DNA position 3033, C replaced by T.
Protein change: p.Leu1011=; no amino-acid change (leucine 1011 retained).
Molecular consequence: synonymous variant.
Genome position (GRCh38, 1-based): chr4:41,650,605, C>T. VCF-style: chr4-41650605-C-T. GRCh37 (hg19) VCF-style: chr4-41652622-C-T.
Other names: c.1842C>T, p.Leu614= (NM_001330791.2, NM_001330792.2, NM_001289122.3); c.1416C>T, p.Leu472= (NM_001330793.2, NM_001330982.2, NM_001330983.1 and 1 more transcripts); c.1878C>T, p.Leu626= (NM_014988.5, NM_001112718.4, NM_001330784.2 and 5 more transcripts); c.1380C>T, p.Leu460= (NM_001112720.4, NM_001330674.2); c.1365C>T, p.Leu455= (NM_001289124.2); c.1401C>T, p.Leu467= (NM_001330786.2).
Identifiers: ClinVar variation 2654742 (VCV002654742.24), dbSNP rs143987835, ClinGen allele CA2900849.